The following is an entry in ClinVar:

NM_001083614.2(EARS2):c.334G>C (p.Ala112Pro)

Gene: EARS2 (glutamyl-tRNA synthetase 2, mitochondrial; minus strand). Cytogenetic location: 16p12.2.
Variant type: single nucleotide variant.
Coding change: c.334G>C on transcript NM_001083614.2 (MANE Select); coding-DNA position 334, G replaced by C.
Protein change: p.Ala112Pro; replaces alanine 112 with proline.
Molecular consequence: missense variant. On other transcripts: non-coding transcript variant (1).
Genome position (GRCh38, 1-based): chr16:23,544,665, C>G on the plus strand (G>C on the coding strand, the complement: EARS2 is on the minus strand). VCF-style: chr16-23544665-C-G. GRCh37 (hg19) VCF-style: chr16-23555986-C-G.
Other names: c.334G>C, p.Ala112Pro (NM_001308211.1); short protein forms A112P.
Identifiers: ClinVar variation 440959 (VCV000440959.5), dbSNP rs749048646, ClinGen allele CA7962617.

ClinVar aggregate classification (germline): Likely pathogenic (1 of 4 stars; one submission).

Conditions:
Leukoencephalopathy-thalamus and brainstem anomalies-high lactate syndrome. Also called: LEUKOENCEPHALOPATHY WITH THALAMUS AND BRAINSTEM INVOLVEMENT AND HIGH LACTATE; Combined oxidative phosphorylation deficiency 12. Identifiers: Orphanet 314051, MedGen C4706421, MONDO:0013971, OMIM 614924.

Allele frequency attached by ClinVar (database versions not stated): gnomAD exomes below 0.00001 and 0.00001; TOPMed 0.00001; ExAC 0.00002.
gnomAD v4.1: 5 of 1,609,258 alleles (0.00031%); highest among the groups gnomAD compares: East Asian, 0.0067%; no homozygotes.

Submission:

GeneDx
Classification: Likely pathogenic. Last evaluated: 2020-06-17. Review status: criteria provided, single submitter. Criteria: GeneDx Variant Classification Process June 2021. Collection method: clinical testing. Allele origin: germline. Affected: yes.
Comment: Not observed at a significant frequency in large population cohorts (Lek et al., 2016); Missense variants in this gene are often considered pathogenic (Stenson et al., 2014); In silico analysis supports that this missense variant does not alter protein structure/function; Has not been previously published as pathogenic or benign to our knowledge